The following is an entry in ClinVar:

ClinVar aggregate classification (germline): Uncertain significance (1 of 4 stars; one submission).

Conditions:
Developmental and epileptic encephalopathy, 53. Also called: Epileptic encephalopathy, early infantile, 53. Identifiers: MedGen C4479313, MONDO:0033362, OMIM 617389.
Early-onset Parkinson disease 20. Also called: PARKINSON DISEASE 20, AUTOSOMAL RECESSIVE EARLY-ONSET. Identifiers: Orphanet 391411, MedGen C3809824, MONDO:0014233, OMIM 615530.

Submission:

Labcorp Genetics (formerly Invitae), Labcorp
Classification: Uncertain significance for Developmental and epileptic encephalopathy, 53; Early-onset Parkinson disease 20. Last evaluated: 2022-07-12. Review status: criteria provided, single submitter. Criteria: Invitae Variant Classification Sherloc (09022015). Collection method: clinical testing. Allele origin: germline.
Comment: Algorithms developed to predict the effect of missense changes on protein structure and function are either unavailable or do not agree on the potential impact of this missense change (SIFT: "Tolerated"; PolyPhen-2: "Possibly Damaging"; Align-GVGD: "Class C0"). ClinVar contains an entry for this variant (Variation ID: 1388642). This variant has not been reported in the literature in individuals affected with SYNJ1-related conditions. This variant is not present in population databases (gnomAD no frequency). This sequence change replaces serine, which is neutral and polar, with asparagine, which is neutral and polar, at codon 181 of the SYNJ1 protein (p.Ser181Asn). In summary, the available evidence is currently insufficient to determine the role of this variant in disease. Therefore, it has been classified as a Variant of Uncertain Significance.

NM_203446.3(SYNJ1):c.425G>A (p.Ser142Asn)

Gene: SYNJ1 (synaptojanin 1; minus strand). Cytogenetic location: 21q22.11.
Variant type: single nucleotide variant.
Coding change: c.425G>A on transcript NM_203446.3 (MANE Select); coding-DNA position 425, G replaced by A.
Protein change: p.Ser142Asn; replaces serine 142 with asparagine.
Molecular consequence: missense variant.
Genome position (GRCh38, 1-based): chr21:32,699,892, C>T on the plus strand (G>A on the coding strand, the complement: SYNJ1 is on the minus strand). VCF-style: chr21-32699892-C-T. GRCh37 (hg19) VCF-style: chr21-34072202-C-T.
Other names: c.425G>A, p.Ser142Asn (NM_001160302.2, NM_001160306.2); c.542G>A, p.Ser181Asn (NM_003895.4); short protein forms S181N, S142N.
Identifiers: ClinVar variation 1388642 (VCV001388642.8), dbSNP rs2146212631, ClinGen allele CA410101242.